The following is an entry in ClinVar:

NM_003140.3(SRY):c.212C>A (p.Ser71Tyr)

Gene: SRY (sex determining region Y; minus strand). Cytogenetic location: Yp11.2.
Variant type: single nucleotide variant.
Coding change: c.212C>A on transcript NM_003140.3 (MANE Select); coding-DNA position 212, C replaced by A.
Protein change: p.Ser71Tyr; replaces serine 71 with tyrosine.
Molecular consequence: missense variant.
Genome position (GRCh38, 1-based): chrY:2,787,392, G>T on the plus strand (C>A on the coding strand, the complement: SRY is on the minus strand). VCF-style: chrY-2787392-G-T. GRCh37 (hg19) VCF-style: chrY-2655433-G-T.
Other names: short protein forms S71Y.
Identifiers: ClinVar variation 1470948 (VCV001470948.6), dbSNP rs2124486256, ClinGen allele CA414941541.

ClinVar aggregate classification (germline): Likely pathogenic (1 of 4 stars; one submission).

Conditions:
46,XY sex reversal 1. Also called: SRY-related 46,XY complete gonadal dysgenesis; 46,XY SEX REVERSAL, SRY-RELATED. Identifiers: Orphanet 242, MedGen C2748896, MONDO:0020712, OMIM 400044.

Submission:

Labcorp Genetics (formerly Invitae), Labcorp
Classification: Likely pathogenic for 46,XY sex reversal 1. Last evaluated: 2021-10-18. Review status: criteria provided, single submitter. Criteria: Invitae Variant Classification Sherloc (09022015). Collection method: clinical testing. Allele origin: germline.
Comment: This sequence change replaces serine with tyrosine at codon 71 of the SRY protein (p.Ser71Tyr). The serine residue is moderately conserved and there is a large physicochemical difference between serine and tyrosine. This variant is not present in population databases (ExAC no frequency). This missense change has been observed in individual(s) with clinical features of 46,XY disorders of sex development (Invitae). In at least one individual the variant was observed to be de novo. Algorithms developed to predict the effect of missense changes on protein structure and function are either unavailable or do not agree on the potential impact of this missense change (SIFT: "Deleterious"; PolyPhen-2: "Probably Damaging"; Align-GVGD: "Class C15"). In summary, the currently available evidence indicates that the variant is pathogenic, but additional data are needed to prove that conclusively. Therefore, this variant has been classified as Likely Pathogenic.